The following is an entry in ClinVar:

NM_007118.4(TRIO):c.7397C>T (p.Pro2466Leu)

Gene: TRIO (trio Rho guanine nucleotide exchange factor; plus strand). Cytogenetic location: 5p15.2.
Variant type: single nucleotide variant.
Coding change: c.7397C>T on transcript NM_007118.4 (MANE Select); coding-DNA position 7397, C replaced by T.
Protein change: p.Pro2466Leu; replaces proline 2466 with leucine.
Molecular consequence: missense variant.
Genome position (GRCh38, 1-based): chr5:14,488,025, C>T. VCF-style: chr5-14488025-C-T. GRCh37 (hg19) VCF-style: chr5-14488134-C-T.
Other names: c.7397C>T (NM_007118.2, NM_007118.3); short protein forms P2466L.
Identifiers: ClinVar variation 1299795 (VCV001299795.11), dbSNP rs373471708, ClinGen allele CA3207397.
Genomic context (GRCh38, chr5:14,488,025, plus strand): 5'-TTGGGAAGCCCCGGGCCGGGGCCGCTTCGCCGCTGAACTCGCCGCTCTCCAGCGCGGTCC[C>T]TTCTCTCGGCAAGGAGCCCTTCCCCCCCAGCAGCCCCCTGCAGAAGGGGGGCTCCTTCTG-3'
Protein context (NP_009049.2, residues 2456-2476): PLNSPLSSAV[Pro2466Leu]SLGKEPFPPS

ClinVar aggregate classification (germline): Conflicting classifications of pathogenicity. Review status: criteria provided, conflicting classifications (1 of 4 stars). 6 submissions from 6 submitters: Uncertain significance (1); Likely benign (2). 3 of the submissions do not count toward it. Last evaluated 2026-09-01.

Conditions:
Congenital anomaly of kidney and urinary tract. Also called: Congenital anomalies of the kidney and urinary tract; Congenital anomalies of kidney and urinary tract. Identifiers: Orphanet 93545, MedGen C1968949, MeSH C566906, MONDO:0019719.
Inborn genetic diseases. Identifiers: MedGen C0950123, MeSH D030342.
TRIO-related disorder. Also called: TRIO-related disorders; TRIO-related condition.

Allele frequency attached by ClinVar (database versions not stated): gnomAD exomes 0.00017; TOPMed 0.00017; ESP Exome Variant Server 0.00018; gnomAD 0.00026 and 0.00027; ExAC 0.00032.

Submissions (6):

CeGaT Center for Human Genetics Tuebingen
Classification: Likely benign. Last evaluated: 2026-09-01. Review status: criteria provided, single submitter. Criteria: CeGaT Center For Human Genetics Tuebingen Variant Classification Criteria Version 2. Collection method: clinical testing. Allele origin: germline. Affected: yes. Observed: 3 variant alleles.
Comment: TRIO: BS1

Ambry Genetics
Classification: Likely benign for Inborn genetic diseases. Last evaluated: 2022-05-11. Review status: criteria provided, single submitter. Criteria: Ambry Variant Classification Scheme 2023. Collection method: clinical testing. Allele origin: germline.

Cambridge Genomics Laboratory, East Genomic Laboratory Hub, NHS Genomic Medicine Service
Classification: Uncertain significance for Congenital anomaly of kidney and urinary tract. Last evaluated: 2020-04-29. Review status: criteria provided, single submitter. Criteria: ACGS Best Practice Guidelines for Variant Classification in Rare Disease 2020. Collection method: clinical testing. Allele origin: germline. Affected: yes. Observed: 1 variant allele.

PreventionGenetics, part of Exact Sciences
Classification: Likely benign for TRIO-related condition. Last evaluated: 2020-12-03. Review status: no assertion criteria provided. Collection method: clinical testing. Allele origin: germline. Not counted in ClinVar's aggregate classification.
Comment: This variant is classified as likely benign based on ACMG/AMP sequence variant interpretation guidelines (Richards et al. 2015 PMID: 25741868, with internal and published modifications).

Clinical Genetics DNA and cytogenetics Diagnostics Lab, Erasmus MC, Erasmus Medical Center
Classification: Likely benign. Review status: no assertion criteria provided. Collection method: clinical testing. Allele origin: germline. Affected: yes. Study: VKGL Data-share Consensus. Not counted in ClinVar's aggregate classification.

Genome Diagnostics Laboratory, University Medical Center Utrecht
Classification: Likely benign. Review status: no assertion criteria provided. Collection method: clinical testing. Allele origin: germline. Affected: yes. Study: VKGL Data-share Consensus. Not counted in ClinVar's aggregate classification.